The following is an entry in ClinVar:

ClinVar aggregate classification (germline): Pathogenic (1 of 4 stars; one submission).

Conditions:
Duchenne muscular dystrophy (DMD). Also called: MUSCULAR DYSTROPHY, PSEUDOHYPERTROPHIC PROGRESSIVE, DUCHENNE TYPE; Duchenne Muscular Dystrophy (DMD). Identifiers: Orphanet 98896, MedGen C0013264, MONDO:0010679, OMIM 310200.

Submission:

Labcorp Genetics (formerly Invitae), Labcorp
Classification: Pathogenic for Duchenne muscular dystrophy. Last evaluated: 2022-08-06. Review status: criteria provided, single submitter. Criteria: Invitae Variant Classification Sherloc (09022015). Collection method: clinical testing. Allele origin: germline.
Comment: For these reasons, this variant has been classified as Pathogenic. The region of the DMD gene that includes exon(s) 35-37 has been determined to be clinically significant (Invitae). Therefore, deletions that encompass that region are likely to be disease-causing. A similar copy number variant has been observed in individuals with DMD-related muscular dystrophy (PMID: 17854090; Invitae). This variant is a gross deletion of the genomic region encompassing exon(s) 26-44 of the DMD gene. This variant would be expected to be in-frame, preserving the integrity of the reading frame.

Literature cited by the submitters: PubMed 17854090.

NC_000023.11:g.(?_32216896)_(32454852_?)del

Gene: DMD (dystrophin; minus strand). Cytogenetic location: Xp21.1.
Variant type: Deletion.
Identifiers: ClinVar variation 583545 (VCV000583545.9).